The following is an entry in ClinVar:

NM_001035.3(RYR2):c.8388C>T (p.Asp2796=)

Gene: RYR2 (ryanodine receptor 2; plus strand). Cytogenetic location: 1q43.
Variant type: single nucleotide variant.
Coding change: c.8388C>T on transcript NM_001035.3 (MANE Select); coding-DNA position 8388, C replaced by T.
Protein change: p.Asp2796=; no amino-acid change (aspartic acid 2796 retained).
Molecular consequence: synonymous variant.
Genome position (GRCh38, 1-based): chr1:237,660,899, C>T. VCF-style: chr1-237660899-C-T. GRCh37 (hg19) VCF-style: chr1-237824199-C-T.
Other names: c.8388C>T, p.Asp2796= (LRG_402t1).
Identifiers: ClinVar variation 512865 (VCV000512865.4), dbSNP rs924176546, ClinGen allele CA39806010.

ClinVar aggregate classification (germline): Likely benign. Review status: criteria provided, multiple submitters, no conflicts (2 of 4 stars). 3 submissions from 3 submitters: Likely benign (3). Last evaluated 2023-08-15.

Conditions:
Cardiomyopathy (CMYO). Also called: Cardiomyopathies. Identifiers: Orphanet 167848, MedGen C0878544, MONDO:0004994, HP:0001638. Inheritance: Various modes of inheritance.
Catecholaminergic polymorphic ventricular tachycardia (CVPT). Also called: Catecholamine-induced polymorphic ventricular tachycardia. Identifiers: Orphanet 3286, MedGen C5574922, MONDO:0017990.

gnomAD v4.1: 4 of 1,521,876 alleles (0.00026%); highest among the groups gnomAD compares: South Asian, 0.0026%; no homozygotes.

Submissions (3):

All of Us Research Program, National Institutes of Health
Classification: Likely benign for Catecholaminergic polymorphic ventricular tachycardia. Last evaluated: 2023-08-15. Review status: criteria provided, single submitter. Criteria: ACMG Guidelines, 2015. Collection method: clinical testing. Allele origin: germline. Inheritance: Autosomal dominant inheritance. Observed: 1 variant allele, 1 heterozygote.
Comment: This study involves interpretation of variants in research participants for the purpose of population health screening. Participant phenotype was not available at the time of variant classification. Additional details can be found in publication PMID: 35346344, PMCID: PMC8962531

Color Diagnostics, LLC DBA Color Health
Classification: Likely benign for Cardiomyopathy. Last evaluated: 2023-03-06. Review status: criteria provided, single submitter. Criteria: ACMG Guidelines, 2015. Collection method: clinical testing. Allele origin: germline.

GeneDx
Classification: Likely benign. Last evaluated: 2017-10-24. Review status: criteria provided, single submitter. Criteria: GeneDx Variant Classification (06012015). Collection method: clinical testing. Allele origin: germline. Affected: yes.
Comment: This variant is considered likely benign or benign based on one or more of the following criteria: it is a conservative change, it occurs at a poorly conserved position in the protein, it is predicted to be benign by multiple in silico algorithms, and/or has population frequency not consistent with disease.